The following is an entry in ClinVar:

NM_001723.7(DST):c.4433A>G (p.His1478Arg)

Gene: DST (dystonin; minus strand). Cytogenetic location: 6p12.1.
Variant type: single nucleotide variant.
Coding change: c.4433A>G on transcript NM_001723.7 (MANE Plus Clinical); coding-DNA position 4433, A replaced by G.
Protein change: p.His1478Arg; replaces histidine 1478 with arginine.
Molecular consequence: missense variant. On other transcripts: intron variant (10).
Genome position (GRCh38, 1-based): chr6:56,619,601, T>C on the plus strand (A>G on the coding strand, the complement: DST is on the minus strand). VCF-style: chr6-56619601-T-C. GRCh37 (hg19) VCF-style: chr6-56484399-T-C.
Other names: c.4830+4929A>G (NM_001144769.5); c.4929+4929A>G (NM_001374722.1, NM_001374736.1); c.4956+4929A>G (NM_001374734.1); c.4416+4929A>G (NM_001144770.2); c.4296+4929A>G (NM_001374730.1, NM_001386100.1, NM_183380.4 and 1 more transcripts); c.3318+4929A>G (NM_015548.5); short protein forms H1478R.
Identifiers: ClinVar variation 1403321 (VCV001403321.3), dbSNP rs147498980, ClinGen allele CA364569691.

ClinVar aggregate classification (germline): Uncertain significance (1 of 4 stars; one submission).

Conditions:
Epidermolysis bullosa simplex 3, localized or generalized intermediate, with BP230 deficiency (EBS3). Also called: Epidermolysis bullosa simplex, autosomal recessive 2; Epidermolysis bullosa simplex due to BP230 deficiency. Identifiers: Orphanet 412181, MedGen C3809470, MONDO:0014180, OMIM 615425.
Hereditary sensory and autonomic neuropathy type 6. Also called: HSAN VI; Neuropathy, hereditary sensory and autonomic, type VI. Identifiers: Orphanet 314381, MedGen C3539003, MONDO:0013839, OMIM 614653.

gnomAD v4.1: 5 of 1,614,038 alleles (0.00031%); highest among the groups gnomAD compares: Non-Finnish European, 0.00042%; no homozygotes.

Submission:

Labcorp Genetics (formerly Invitae), Labcorp
Classification: Uncertain significance for Epidermolysis bullosa simplex 3, localized or generalized intermediate, with BP230 deficiency; Hereditary sensory and autonomic neuropathy type 6. Last evaluated: 2021-11-24. Review status: criteria provided, single submitter. Criteria: Invitae Variant Classification Sherloc (09022015). Collection method: clinical testing. Allele origin: germline.
Comment: This sequence change replaces histidine, which is basic and polar, with arginine, which is basic and polar, at codon 1478 of the DST protein (p.His1478Arg). This variant is present in population databases (no rsID available, gnomAD 0.002%). This variant has not been reported in the literature in individuals affected with DST-related conditions. Algorithms developed to predict the effect of missense changes on protein structure and function (SIFT, PolyPhen-2, Align-GVGD) all suggest that this variant is likely to be tolerated. In summary, the available evidence is currently insufficient to determine the role of this variant in disease. Therefore, it has been classified as a Variant of Uncertain Significance.